The following is an entry in ClinVar:

NM_015214.3(DDHD2):c.1345-3T>C

Gene: DDHD2 (DDHD domain containing 2; plus strand). Cytogenetic location: 8p11.23.
Variant type: single nucleotide variant.
Coding change: c.1345-3T>C on transcript NM_015214.3 (MANE Select); 3 bases into the intron before coding-DNA position 1345, T replaced by C.
Molecular consequence: intron variant.
Genome position (GRCh38, 1-based): chr8:38,251,909, T>C. VCF-style: chr8-38251909-T-C. GRCh37 (hg19) VCF-style: chr8-38109427-T-C.
Other names: c.1345-3T>C (NM_001362914.2, NM_001362912.2, NM_001362911.2 and 1 more transcripts); c.1255-3T>C (NM_001362913.2).
Identifiers: ClinVar variation 2200633 (VCV002200633.3), dbSNP rs748256894, ClinGen allele CA4716241.

ClinVar aggregate classification (germline): Uncertain significance (1 of 4 stars; one submission).

Conditions:
Hereditary spastic paraplegia 54. Also called: Spastic paraplegia 54, autosomal recessive. Identifiers: Orphanet 320380, MedGen C3539495, MONDO:0014018, OMIM 615033.

Allele frequency attached by ClinVar (database versions not stated): gnomAD exomes 0.00001; ExAC 0.00002; TOPMed 0.00002.
gnomAD v4.1: 18 of 1,609,122 alleles (0.0011%); highest among the groups gnomAD compares: South Asian, 0.0077%; no homozygotes.

Submission:

Labcorp Genetics (formerly Invitae), Labcorp
Classification: Uncertain significance for Hereditary spastic paraplegia 54. Last evaluated: 2024-02-17. Review status: criteria provided, single submitter. Criteria: Invitae Variant Classification Sherloc (09022015). Collection method: clinical testing. Allele origin: germline.
Comment: This sequence change falls in intron 11 of the DDHD2 gene. It does not directly change the encoded amino acid sequence of the DDHD2 protein. It affects a nucleotide within the consensus splice site. This variant is present in population databases (rs748256894, gnomAD 0.006%). This variant has not been reported in the literature in individuals affected with DDHD2-related conditions. ClinVar contains an entry for this variant (Variation ID: 2200633). Variants that disrupt the consensus splice site are a relatively common cause of aberrant splicing (PMID: 17576681, 9536098). Algorithms developed to predict the effect of sequence changes on RNA splicing suggest that this variant is not likely to affect RNA splicing. In summary, the available evidence is currently insufficient to determine the role of this variant in disease. Therefore, it has been classified as a Variant of Uncertain Significance.

Literature cited by the submitters: PubMed 17576681; PubMed 9536098.